The following is an entry in ClinVar:

ClinVar aggregate classification (germline): Uncertain significance (1 of 4 stars; one submission).

Allele frequency attached by ClinVar (database versions not stated): gnomAD exomes below 0.00001.
gnomAD v4.1: 1 of 1,613,734 alleles (0.000062%); highest among the groups gnomAD compares: Admixed American, 0.0017%; no homozygotes.

Submission:

Labcorp Genetics (formerly Invitae), Labcorp
Classification: Uncertain significance. Last evaluated: 2023-10-13. Review status: criteria provided, single submitter. Criteria: Invitae Variant Classification Sherloc (09022015). Collection method: clinical testing. Allele origin: germline.
Comment: This sequence change replaces serine, which is neutral and polar, with threonine, which is neutral and polar, at codon 216 of the RIMS1 protein (p.Ser216Thr). This variant is present in population databases (no rsID available, gnomAD 0.003%). This variant has not been reported in the literature in individuals affected with RIMS1-related conditions. ClinVar contains an entry for this variant (Variation ID: 1383357). An algorithm developed to predict the effect of missense changes on protein structure and function (PolyPhen-2) suggests that this variant is likely to be disruptive. In summary, the available evidence is currently insufficient to determine the role of this variant in disease. Therefore, it has been classified as a Variant of Uncertain Significance.

NM_014989.7(RIMS1):c.646T>A (p.Ser216Thr)

Gene: RIMS1 (regulating synaptic membrane exocytosis 1; plus strand). Cytogenetic location: 6q13.
Variant type: single nucleotide variant.
Coding change: c.646T>A on transcript NM_014989.7 (MANE Select); coding-DNA position 646, T replaced by A.
Protein change: p.Ser216Thr; replaces serine 216 with threonine.
Molecular consequence: missense variant.
Genome position (GRCh38, 1-based): chr6:72,179,749, T>A. VCF-style: chr6-72179749-T-A. GRCh37 (hg19) VCF-style: chr6-72889452-T-A.
Other names: short protein forms S216T.
Identifiers: ClinVar variation 1383357 (VCV001383357.6), dbSNP rs1289889610, ClinGen allele CA364818596.